The following is an entry in ClinVar:

NM_000257.4(MYH7):c.3064A>G (p.Lys1022Glu)

Gene: MYH7 (myosin heavy chain 7; minus strand). Cytogenetic location: 14q11.2.
Variant type: single nucleotide variant.
Coding change: c.3064A>G on transcript NM_000257.4 (MANE Select); coding-DNA position 3064, A replaced by G.
Protein change: p.Lys1022Glu; replaces lysine 1022 with glutamic acid.
Molecular consequence: missense variant.
Genome position (GRCh38, 1-based): chr14:23,423,582, T>C on the plus strand (A>G on the coding strand, the complement: MYH7 is on the minus strand). VCF-style: chr14-23423582-T-C. GRCh37 (hg19) VCF-style: chr14-23892791-T-C.
Other names: short protein forms K1022E.
Identifiers: ClinVar variation 810738 (VCV000810738.3), dbSNP rs1595081245, ClinGen allele CA389045738.

ClinVar aggregate classification (germline): Uncertain significance. Review status: criteria provided, multiple submitters, no conflicts (2 of 4 stars). 2 submissions from 2 submitters: Uncertain significance (2). Last evaluated 2025-06-22.

Conditions:
Hypertrophic cardiomyopathy 1 (CMH1). Also called: MYH7-Related Familial Hypertrophic Cardiomyopathy; Familial hypertrophic cardiomyopathy 1. Identifiers: MedGen C3495498, MONDO:0008647, OMIM 192600.

Submissions (2):

Victorian Clinical Genetics Services, Murdoch Childrens Research Institute
Classification: Uncertain significance for Hypertrophic cardiomyopathy 1. Last evaluated: 2025-06-22. Review status: criteria provided, single submitter. Criteria: ACMG Guidelines, 2015. Collection method: clinical testing. Allele origin: germline. Affected: yes.
Comment: This variant is classified as VUS-3A. Evidence in support of pathogenic classification: Variant is absent from gnomAD (v2, v3 and v4); Missense variant predicted to be damaging by in silico tool(s) or highly conserved with a major amino acid change. Additional information: Variant is predicted to result in a missense amino acid change from lysine to glutamic acid; This variant is heterozygous; This gene is associated with both recessive and dominant disease. Disease associated with this gene usually has autosomal dominant inheritance; however, a recessive inheritance pattern has been observed in severe cases (OMIM); Previous evidence of pathogenicity for this variant is inconclusive. This variant has been observed in at least three individuals from large HCM cohorts within the literature and classified as pathogenic and VUS (PMIDs: 28408708, 33658040, 27532257); No published segregation evidence has been identified for this variant; No published functional evidence has been identified for this variant; Other missense variant(s) comparable to the one identified in this case have inconclusive previous evidence for pathogenicity. p.(Lys1022Met) has been classified as VUS by clinical laboratories in ClinVar. p.(Lys1022Met) and p.(Lys1022Asn) have both been reported in the literature in a single patient from a large HCM cohort (PMIDs: 37652022, 26914223); Variant is located in the annotated myosin tail 1 domain (DECIPHER); The mechanism of disease for this gene is not clearly established; however, missense variants have been proposed to act in a dominant negative manner (PMID: 24714796); The condition associated with this gene has incomplete penetrance (PMID: 29300372); Inheritance information for this variant is not currently available in this individual.

Agnes Ginges Centre for Molecular Cardiology, Centenary Institute
Classification: Uncertain significance for Hypertrophic cardiomyopathy 1. Last evaluated: 2018-10-12. Review status: criteria provided, single submitter. Criteria: ACMG Guidelines, 2015. Collection method: research. Allele origin: germline. Inheritance: Autosomal dominant inheritance. Affected: yes.
Comment: The MYH7 Lys1022Glu variant is absent from the Genome Aggregation Database. Computational tools SIFT, MutationTaster, Polyphen-HCM and PolyPhen-2 predict the MYH7 Lys1022Glu variant to have a deleterious effect. In summary, based on rarity in general populations and our limited familial data, we classify MYH7 Lys1022Glu as a variant of "uncertain significance".

Literature cited by the submitters: PubMed 37652022 (cited by Victorian Clinical Genetics Services, Murdoch Childrens Research Institute); PubMed 33658040 (cited by Victorian Clinical Genetics Services, Murdoch Childrens Research Institute); PubMed 27532257 (cited by Victorian Clinical Genetics Services, Murdoch Childrens Research Institute); PubMed 26914223 (cited by Victorian Clinical Genetics Services, Murdoch Childrens Research Institute); PubMed 24714796 (cited by Victorian Clinical Genetics Services, Murdoch Childrens Research Institute); PubMed 29300372 (cited by Victorian Clinical Genetics Services, Murdoch Childrens Research Institute); PubMed 28408708 (cited by Victorian Clinical Genetics Services, Murdoch Childrens Research Institute and Agnes Ginges Centre for Molecular Cardiology, Centenary Institute).